The following is an entry in ClinVar:

ClinVar aggregate classification (germline): Uncertain significance (1 of 4 stars; one submission).

Submission:

Labcorp Genetics (formerly Invitae), Labcorp
Classification: Uncertain significance. Last evaluated: 2021-11-09. Review status: criteria provided, single submitter. Criteria: Invitae Variant Classification Sherloc (09022015). Collection method: clinical testing. Allele origin: germline.
Comment: This sequence change replaces isoleucine, which is neutral and non-polar, with phenylalanine, which is neutral and non-polar, at codon 2204 of the VPS13C protein (p.Ile2204Phe). This variant is not present in population databases (gnomAD no frequency). This variant has not been reported in the literature in individuals affected with VPS13C-related conditions. Algorithms developed to predict the effect of missense changes on protein structure and function are either unavailable or do not agree on the potential impact of this missense change (SIFT: "Tolerated"; PolyPhen-2: "Possibly Damaging"; Align-GVGD: "Class C0"). In summary, the available evidence is currently insufficient to determine the role of this variant in disease. Therefore, it has been classified as a Variant of Uncertain Significance.

NM_020821.3(VPS13C):c.6610A>T (p.Ile2204Phe)

Gene: VPS13C (vacuolar protein sorting 13 homolog C; minus strand). Cytogenetic location: 15q22.2.
Variant type: single nucleotide variant.
Coding change: c.6610A>T on transcript NM_020821.3 (MANE Select); coding-DNA position 6610, A replaced by T.
Protein change: p.Ile2204Phe; replaces isoleucine 2204 with phenylalanine.
Molecular consequence: missense variant.
Genome position (GRCh38, 1-based): chr15:61,922,762, T>A on the plus strand (A>T on the coding strand, the complement: VPS13C is on the minus strand). VCF-style: chr15-61922762-T-A. GRCh37 (hg19) VCF-style: chr15-62214961-T-A.
Other names: c.6610A>T, p.Ile2204Phe (NM_001018088.3); c.6481A>T, p.Ile2161Phe (NM_017684.5, NM_018080.4); short protein forms I2204F, I2161F.
Identifiers: ClinVar variation 1350442 (VCV001350442.6), dbSNP rs757809087, ClinGen allele CA271895271.
Genomic context (GRCh38, chr15:61,922,762, plus strand): 5'-TTGTTTTTGGAGACAATGCAGCCATGATTGTCAACACAGTATTAAGAATTATGGGTGAAA[T>A]CTTTAAAAAAGAAAGCAGAAAAATATTTATAATAAATTCTTTCCCAGATGAGAATATATA-3'
Protein context (NP_065872.1, residues 2194-2214): NIMVKEFIIK[Ile2204Phe]SPIILNTVLT